The following is an entry in ClinVar:

ClinVar aggregate classification (germline): Uncertain significance (1 of 4 stars; one submission).

Conditions:
Hereditary cancer-predisposing syndrome. Also called: Neoplastic Syndromes, Hereditary; Hereditary Cancer Syndrome; Tumor predisposition; Hereditary neoplastic syndrome. Identifiers: Orphanet 140162, MedGen C0027672, MeSH D009386, MONDO:0015356.

Submission:

Ambry Genetics
Classification: Uncertain significance for Hereditary cancer-predisposing syndrome. Last evaluated: 2025-01-08. Review status: criteria provided, single submitter. Criteria: Ambry Variant Classification Scheme 2023. Collection method: clinical testing. Allele origin: germline.
Comment: The p.M261T variant (also known as c.782T>C), located in coding exon 7 of the EPCAM gene, results from a T to C substitution at nucleotide position 782. The methionine at codon 261 is replaced by threonine, an amino acid with similar properties. This amino acid position is conserved. In addition, this alteration is predicted to be deleterious by in silico analysis. Since supporting evidence is limited at this time, the clinical significance of this alteration remains unclear.

NM_002354.3(EPCAM):c.782T>C (p.Met261Thr)

Gene: EPCAM (epithelial cell adhesion molecule; plus strand). Cytogenetic location: 2p21.
Variant type: single nucleotide variant.
Coding change: c.782T>C on transcript NM_002354.3 (MANE Select); coding-DNA position 782, T replaced by C.
Protein change: p.Met261Thr; replaces methionine 261 with threonine.
Molecular consequence: missense variant.
Genome position (GRCh38, 1-based): chr2:47,379,893, T>C. VCF-style: chr2-47379893-T-C. GRCh37 (hg19) VCF-style: chr2-47607032-T-C.
Other names: short protein forms M261T.
Identifiers: ClinVar variation 2447110 (VCV002447110.3), dbSNP rs2103759205, ClinGen allele CA346724756.